The following is an entry in ClinVar:

ClinVar aggregate classification (germline): Uncertain significance (1 of 4 stars; one submission).

Conditions:
Cardiac arrhythmia. Also called: Arrhythmia; Cardiac rhythm disease. Identifiers: MedGen C0003811, MONDO:0007263, HP:0011675.

Submission:

Labcorp Genetics (formerly Invitae), Labcorp
Classification: Uncertain significance for Cardiac arrhythmia. Last evaluated: 2022-04-15. Review status: criteria provided, single submitter. Criteria: Invitae Variant Classification Sherloc (09022015). Collection method: clinical testing. Allele origin: germline.
Comment: In summary, the available evidence is currently insufficient to determine the role of this variant in disease. Therefore, it has been classified as a Variant of Uncertain Significance. This variant has not been reported in the literature in individuals affected with RANGRF-related conditions. Information on the frequency of this variant in the gnomAD database is not available, as this variant may be reported differently in the database. This sequence change creates a premature translational stop signal (p.Gln55*) in the RANGRF gene. It is expected to result in an absent or disrupted protein product. However, the current clinical and genetic evidence is not sufficient to establish whether loss-of-function variants in RANGRF cause disease.

NM_016492.5(RANGRF):c.162_163delinsAT (p.Gln55Ter)

Genes: SLC25A35 (solute carrier family 25 member 35; minus strand), RANGRF (RAN guanine nucleotide release factor; plus strand), LOC130060241 (ATAC-STARR-seq lymphoblastoid active region 11693; plus strand). Cytogenetic location: 17p13.1.
Variant type: Indel.
Coding change: c.162_163delinsAT on transcript NM_016492.5 (MANE Select); coding-DNA positions 162 to 163, GC replaced by AT.
Protein change: p.Gln55Ter; replaces glutamine 55 with a stop codon.
Molecular consequence: nonsense. On other transcripts: 3 prime UTR variant (2), non-coding transcript variant (2), intron variant (1).
Genome position (GRCh38, 1-based): chr17:8,289,040-8,289,041, GC replaced by AT. VCF-style: chr17-8289040-GC-AT. GRCh37 (hg19) VCF-style: chr17-8192358-GC-AT.
Other names: c.162_163delinsAT, p.Gln55Ter (NM_001330127.2, NM_001177801.2, NM_001177802.2); c.*442_*443delinsAT (NM_001320872.2); c.*575_*576delinsAT (NM_201520.3); c.*42+533_*42+534delinsAT (NM_001320871.2); short protein forms Q55*.
Identifiers: ClinVar variation 1916026 (VCV001916026.4), dbSNP rs2543865732, ClinGen allele CA2580094928.